The following is an entry in ClinVar:

ClinVar aggregate classification (germline): Uncertain significance (1 of 4 stars; one submission).

Submission:

Labcorp Genetics (formerly Invitae), Labcorp
Classification: Uncertain significance. Last evaluated: 2024-04-07. Review status: criteria provided, single submitter. Criteria: Invitae Variant Classification Sherloc (09022015). Collection method: clinical testing. Allele origin: germline.
Comment: This sequence change replaces valine, which is neutral and non-polar, with glycine, which is neutral and non-polar, at codon 443 of the EFTUD2 protein (p.Val443Gly). This variant is not present in population databases (gnomAD no frequency). This variant has not been reported in the literature in individuals affected with EFTUD2-related conditions. Advanced modeling of protein sequence and biophysical properties (such as structural, functional, and spatial information, amino acid conservation, physicochemical variation, residue mobility, and thermodynamic stability) has been performed at Invitae for this missense variant, however the output from this modeling did not meet the statistical confidence thresholds required to predict the impact of this variant on EFTUD2 protein function. In summary, the available evidence is currently insufficient to determine the role of this variant in disease. Therefore, it has been classified as a Variant of Uncertain Significance.

NM_004247.4(EFTUD2):c.1328T>G (p.Val443Gly)

Gene: EFTUD2 (elongation factor Tu GTP binding domain containing 2; minus strand). Cytogenetic location: 17q21.31.
Variant type: single nucleotide variant.
Coding change: c.1328T>G on transcript NM_004247.4 (MANE Select); coding-DNA position 1328, T replaced by G.
Protein change: p.Val443Gly; replaces valine 443 with glycine.
Molecular consequence: missense variant.
Genome position (GRCh38, 1-based): chr17:44,863,740, A>C on the plus strand (T>G on the coding strand, the complement: EFTUD2 is on the minus strand). VCF-style: chr17-44863740-A-C. GRCh37 (hg19) VCF-style: chr17-42941108-A-C.
Other names: c.1223T>G, p.Val408Gly (NM_001142605.2); c.1328T>G, p.Val443Gly (NM_001258353.2); c.1298T>G, p.Val433Gly (NM_001258354.2); short protein forms V408G, V433G, V443G.
Identifiers: ClinVar variation 3718095 (VCV003718095.2).